The following is an entry in ClinVar:

ClinVar aggregate classification (germline): Likely benign (1 of 4 stars; one submission).

gnomAD v4.1: 1 of 1,286,220 alleles (0.000078%); highest among the groups gnomAD compares: Non-Finnish European, 0.0001%; no homozygotes.

Submission:

CeGaT Center for Human Genetics Tuebingen
Classification: Likely benign. Last evaluated: 2026-02-01. Review status: criteria provided, single submitter. Criteria: CeGaT Center For Human Genetics Tuebingen Variant Classification Criteria Version 2. Collection method: clinical testing. Allele origin: germline. Affected: yes. Observed: 1 variant allele.
Comment: SDHAF2: BP4, BP7

NM_017841.4(SDHAF2):c.37-772G>A

Gene: SDHAF2 (succinate dehydrogenase complex assembly factor 2; plus strand). Cytogenetic location: 11q12.2.
Variant type: single nucleotide variant.
Coding change: c.37-772G>A on transcript NM_017841.4 (MANE Select); 772 bases into the intron before coding-DNA position 37, G replaced by A.
Molecular consequence: intron variant.
Genome position (GRCh38, 1-based): chr11:61,436,853, G>A. VCF-style: chr11-61436853-G-A. GRCh37 (hg19) VCF-style: chr11-61204325-G-A.
Identifiers: ClinVar variation 4823618 (VCV004823618.4).